The following is an entry in ClinVar:

ClinVar aggregate classification (germline): Uncertain significance (1 of 4 stars; one submission).

Submission:

GeneDx
Classification: Uncertain significance. Last evaluated: 2026-01-12. Review status: criteria provided, single submitter. Criteria: GeneDx Variant Classification Process June 2021. Collection method: clinical testing. Allele origin: germline.
Comment: Reported in at least one patient from a large cohort of individuals with lipid disorders; however, no further clinical or segregation information was provided (PMID: 32041611); In silico analysis supports that this missense variant has a deleterious effect on protein structure/function; This variant is associated with the following publications: (PMID: 32041611)

NM_002666.5(PLIN1):c.532G>A (p.Asp178Asn)

Gene: PLIN1 (perilipin 1; minus strand). Cytogenetic location: 15q26.1.
Variant type: single nucleotide variant.
Coding change: c.532G>A on transcript NM_002666.5 (MANE Select); coding-DNA position 532, G replaced by A.
Protein change: p.Asp178Asn; replaces aspartic acid 178 with asparagine.
Molecular consequence: missense variant.
Genome position (GRCh38, 1-based): chr15:89,670,046, C>T on the plus strand (G>A on the coding strand, the complement: PLIN1 is on the minus strand). VCF-style: chr15-89670046-C-T. GRCh37 (hg19) VCF-style: chr15-90213277-C-T.
Other names: c.532G>A, p.Asp178Asn (NM_001145311.2); short protein forms D178N.
Identifiers: ClinVar variation 4083455 (VCV004083455.2).
Genomic context (GRCh38, chr15:89,670,046, plus strand): 5'-CTTCCTTGTCTGGAGGGAGGAGGTACTCCACCACCTTCTCAATGCTGCCCAAGGCCAAGT[C>T]GGCCCCTCCAGAAGCCAGTCGGCCAGCTCGAGTGTTGGCAGCAAATTCCGCAGTGTCTCT-3'
Protein context (NP_002657.3, residues 168-188): RAGRLASGGA[Asp178Asn]LALGSIEKVV